The following is an entry in ClinVar:

ClinVar aggregate classification (germline): Uncertain significance (1 of 4 stars; one submission).

Allele frequency attached by ClinVar (database versions not stated): TOPMed below 0.00001.

Submission:

Labcorp Genetics (formerly Invitae), Labcorp
Classification: Uncertain significance. Last evaluated: 2024-08-12. Review status: criteria provided, single submitter. Criteria: Invitae Variant Classification Sherloc (09022015). Collection method: clinical testing. Allele origin: germline.
Comment: This sequence change replaces alanine, which is neutral and non-polar, with valine, which is neutral and non-polar, at codon 8 of the COL9A3 protein (p.Ala8Val). This variant is not present in population databases (gnomAD no frequency). This variant has not been reported in the literature in individuals affected with COL9A3-related conditions. Advanced modeling of protein sequence and biophysical properties (such as structural, functional, and spatial information, amino acid conservation, physicochemical variation, residue mobility, and thermodynamic stability) performed at Invitae indicates that this missense variant is not expected to disrupt COL9A3 protein function with a negative predictive value of 95%. In summary, the available evidence is currently insufficient to determine the role of this variant in disease. Therefore, it has been classified as a Variant of Uncertain Significance.

NM_001853.4(COL9A3):c.23C>T (p.Ala8Val)

Gene: COL9A3 (collagen type IX alpha 3 chain; plus strand). Cytogenetic location: 20q13.33.
Variant type: single nucleotide variant.
Coding change: c.23C>T on transcript NM_001853.4 (MANE Select); coding-DNA position 23, C replaced by T.
Protein change: p.Ala8Val; replaces alanine 8 with valine.
Molecular consequence: missense variant.
Genome position (GRCh38, 1-based): chr20:62,817,087, C>T. VCF-style: chr20-62817087-C-T. GRCh37 (hg19) VCF-style: chr20-61448439-C-T.
Other names: short protein forms A8V.
Identifiers: ClinVar variation 2819384 (VCV002819384.3), dbSNP rs1990951183, ClinGen allele CA409586753.